The following is an entry in ClinVar:

NM_001142864.4(PIEZO1):c.5773C>T (p.Arg1925Trp)

Gene: PIEZO1 (piezo type mechanosensitive ion channel component 1 (Er blood group); minus strand). Cytogenetic location: 16q24.3.
Variant type: single nucleotide variant.
Coding change: c.5773C>T on transcript NM_001142864.4 (MANE Select); coding-DNA position 5773, C replaced by T.
Protein change: p.Arg1925Trp; replaces arginine 1925 with tryptophan.
Molecular consequence: missense variant.
Genome position (GRCh38, 1-based): chr16:88,720,644, G>A on the plus strand (C>T on the coding strand, the complement: PIEZO1 is on the minus strand). VCF-style: chr16-88720644-G-A. GRCh37 (hg19) VCF-style: chr16-88787052-G-A.
Other names: p.Arg1925Trp; c.5773C>T (NM_001142864.2); short protein forms R1925W.
Identifiers: ClinVar variation 973950 (VCV000973950.43), dbSNP rs201442593, ClinGen allele CA8231787.

ClinVar aggregate classification (germline): Conflicting classifications of pathogenicity. Review status: criteria provided, conflicting classifications (1 of 4 stars). 6 submissions from 6 submitters: Uncertain significance (2); Likely benign (3). 1 of the submissions does not count toward it. Last evaluated 2025-09-22.

Conditions:
Lymphatic malformation 6 (LMPHM6). Also called: GENERALIZED LYMPHATIC DYSPLASIA OF FOTIOU; Lymphedema, hereditary, III; PIEZO1-related generalized lymphatic dysplasia with non-immune hydrops fetalis. Identifiers: Orphanet 568062, MedGen C4225184, MONDO:0014797, OMIM 616843.

Allele frequency attached by ClinVar (database versions not stated): ExAC 0.00052; 1000 Genomes Project 30x 0.00062; gnomAD 0.00069; TOPMed 0.00070; ESP Exome Variant Server 0.00175.
gnomAD v4.1: 1,215 of 1,536,078 alleles (0.079%); highest among the groups gnomAD compares: Non-Finnish European, 0.096%; 2 homozygotes.

Submissions (6):

Labcorp Genetics (formerly Invitae), Labcorp
Classification: Likely benign. Last evaluated: 2025-09-22. Review status: criteria provided, single submitter. Criteria: Invitae Variant Classification Sherloc (09022015). Collection method: clinical testing. Allele origin: germline.

ARUP Laboratories, Molecular Genetics and Genomics, ARUP Laboratories
Classification: Likely benign. Last evaluated: 2025-06-16. Review status: criteria provided, single submitter. Criteria: ARUP Molecular Germline Variant Investigation Process 2024. Collection method: clinical testing. Allele origin: germline.

Mayo Clinic Laboratories, Mayo Clinic
Classification: Uncertain significance. Last evaluated: 2024-12-05. Review status: criteria provided, single submitter. Criteria: ACMG Guidelines, 2015. Collection method: clinical testing. Allele origin: germline. Observed: 5 variant alleles.

CeGaT Center for Human Genetics Tuebingen
Classification: Likely benign. Last evaluated: 2024-05-01. Review status: criteria provided, single submitter. Criteria: CeGaT Center For Human Genetics Tuebingen Variant Classification Criteria Version 2. Collection method: clinical testing. Allele origin: germline. Affected: yes. Observed: 2 variant alleles.
Comment: PIEZO1: BP4, BS2

GeneDx
Classification: Uncertain significance. Last evaluated: 2022-12-24. Review status: criteria provided, single submitter. Criteria: GeneDx Variant Classification Process June 2021. Collection method: clinical testing. Allele origin: germline. Affected: yes.
Comment: Identified with a second variant in a patient with hereditary xerocytosis in published literature (Picard et al., 2019); In silico analysis supports that this missense variant has a deleterious effect on protein structure/function; This variant is associated with the following publications: (PMID: 30655378, 32112123, 34371190, 35646098, 32949489, 33227434)

Medical Genetics Unit, Sapienza University of Rome
Classification: Pathogenic for Lymphatic malformation 6. Last evaluated: 2020-07-20. Review status: no assertion criteria provided. Collection method: clinical testing. Allele origin: paternal. Inheritance: Autosomal recessive inheritance. Affected: yes. Observed: 3 variant alleles. Clinical features observed: Nonimmune hydrops fetalis (HP:0001790), Abnormality of the lymphatic system (HP:0100763), Abnormal vascular morphology (HP:0025015), Abnormality of erythrocytes (HP:0001877). Not counted in ClinVar's aggregate classification.
Comment: Variant found in compound heterozygosis in two fetuses from the same family presenting with non-immune fetal hydrops. No evidence for acute infections. Negative karyotype, CMA and RASopathies gene panel.